The following is an entry in ClinVar:

ClinVar aggregate classification (germline): Uncertain significance (1 of 4 stars; one submission).

Conditions:
Inborn genetic diseases. Identifiers: MedGen C0950123, MeSH D030342.

Submission:

Ambry Genetics
Classification: Uncertain significance for Inborn genetic diseases. Last evaluated: 2025-01-18. Review status: criteria provided, single submitter. Criteria: Ambry Variant Classification Scheme 2023. Collection method: clinical testing. Allele origin: germline.
Comment: The p.R288K variant (also known as c.863G>A), located in coding exon 1 of the SAMD9L gene, results from a G to A substitution at nucleotide position 863. The arginine at codon 288 is replaced by lysine, an amino acid with highly similar properties. This amino acid position is conserved. In addition, this alteration is predicted to be tolerated by in silico analysis. Based on the available evidence, the clinical significance of this variant remains unclear.

NM_152703.5(SAMD9L):c.863G>A (p.Arg288Lys)

Gene: SAMD9L (sterile alpha motif domain containing 9 like; minus strand). Cytogenetic location: 7q21.2.
Variant type: single nucleotide variant.
Coding change: c.863G>A on transcript NM_152703.5 (MANE Select); coding-DNA position 863, G replaced by A.
Protein change: p.Arg288Lys; replaces arginine 288 with lysine.
Molecular consequence: missense variant.
Genome position (GRCh38, 1-based): chr7:93,135,109, C>T on the plus strand (G>A on the coding strand, the complement: SAMD9L is on the minus strand). VCF-style: chr7-93135109-C-T. GRCh37 (hg19) VCF-style: chr7-92764422-C-T.
Other names: c.863G>A, p.Arg288Lys (NM_001303496.3, NM_001303497.3, NM_001303498.3 and 5 more transcripts); short protein forms R288K.
Identifiers: ClinVar variation 3792328 (VCV003792328.1).